The following is an entry in ClinVar:

NM_005228.5(EGFR):c.2701+3G>A

Gene: EGFR (epidermal growth factor receptor; plus strand). Cytogenetic location: 7p11.2.
Variant type: single nucleotide variant.
Coding change: c.2701+3G>A on transcript NM_005228.5 (MANE Select); 3 bases into the intron after coding-DNA position 2701, G replaced by A.
Molecular consequence: intron variant.
Genome position (GRCh38, 1-based): chr7:55,192,844, G>A. VCF-style: chr7-55192844-G-A. GRCh37 (hg19) VCF-style: chr7-55260537-G-A.
Other names: c.2566+3G>A (NM_001346899.2, NM_001346897.2); c.1900+3G>A (NM_001346941.2); c.2701+3G>A (NM_001346898.2); c.2542+3G>A (NM_001346900.2).
Identifiers: ClinVar variation 4870290 (VCV004870290.1).

ClinVar aggregate classification (germline): Uncertain significance (1 of 4 stars; one submission).

Conditions:
Hereditary cancer-predisposing syndrome. Also called: Neoplastic Syndromes, Hereditary; Tumor predisposition; Hereditary Cancer Syndrome; Hereditary neoplastic syndrome. Identifiers: Orphanet 140162, MedGen C0027672, MeSH D009386, MONDO:0015356.

Submission:

Ambry Genetics
Classification: Uncertain significance for Hereditary cancer-predisposing syndrome. Last evaluated: 2026-06-10. Review status: criteria provided, single submitter. Criteria: Ambry Variant Classification Scheme 2023. Collection method: clinical testing. Allele origin: germline.
Comment: The c.2701+3G>A intronic variant results from a G to A substitution 3 nucleotides after coding exon 22 in the EGFR gene. This nucleotide position is well conserved in available vertebrate species. In silico splice site analysis predicts that this alteration will not have any significant effect on splicing. Based on the available evidence, the clinical significance of this variant remains unclear.